The following is an entry in ClinVar:

ClinVar aggregate classification (germline): Uncertain significance. Review status: criteria provided, multiple submitters, no conflicts (2 of 4 stars). 4 submissions from 4 submitters: Uncertain significance (3). 1 of the submissions does not count toward it. Last evaluated 2025-08-21.

Conditions:
Inborn genetic diseases. Identifiers: MedGen C0950123, MeSH D030342.
Mucopolysaccharidosis type 1. Also called: IDUA deficiency; MPS I. Identifiers: Orphanet 579, MedGen C0023786, MONDO:0001586.

Allele frequency attached by ClinVar (database versions not stated): gnomAD exomes 0.00001 and 0.00002; TOPMed 0.00002; ExAC 0.00001; gnomAD 0.00001.
gnomAD v4.1: 22 of 1,612,906 alleles (0.0014%); highest among the groups gnomAD compares: Middle Eastern, 0.016%; no homozygotes.

Submissions (4):

Ambry Genetics
Classification: Uncertain significance for Inborn genetic diseases. Last evaluated: 2025-08-21. Review status: criteria provided, single submitter. Criteria: Ambry Variant Classification Scheme 2023. Collection method: clinical testing. Allele origin: germline.

Labcorp Genetics (formerly Invitae), Labcorp
Classification: Uncertain significance for Mucopolysaccharidosis type 1. Last evaluated: 2024-10-16. Review status: criteria provided, single submitter. Criteria: Invitae Variant Classification Sherloc (09022015). Collection method: clinical testing. Allele origin: germline.
Comment: This sequence change replaces threonine, which is neutral and polar, with isoleucine, which is neutral and non-polar, at codon 601 of the IDUA protein (p.Thr601Ile). This variant is present in population databases (rs200089576, gnomAD 0.03%). This variant has not been reported in the literature in individuals affected with IDUA-related conditions. ClinVar contains an entry for this variant (Variation ID: 841104). Invitae Evidence Modeling of protein sequence and biophysical properties (such as structural, functional, and spatial information, amino acid conservation, physicochemical variation, residue mobility, and thermodynamic stability) indicates that this missense variant is not expected to disrupt IDUA protein function with a negative predictive value of 95%. In summary, the available evidence is currently insufficient to determine the role of this variant in disease. Therefore, it has been classified as a Variant of Uncertain Significance.

Breakthrough Genomics
Classification: Uncertain significance. Review status: criteria provided, single submitter. Criteria: ACMG Guidelines, 2015. Collection method: not provided. Allele origin: germline. Inheritance: Autosomal recessive inheritance. Affected: yes.

Natera, Inc.
Classification: Uncertain significance for Mucopolysaccharidosis type I. Last evaluated: 2020-09-16. Review status: no assertion criteria provided. Collection method: clinical testing. Allele origin: germline. Not counted in ClinVar's aggregate classification.

NM_000203.5(IDUA):c.1802C>T (p.Thr601Ile)

Gene: IDUA (alpha-L-iduronidase; plus strand). Cytogenetic location: 4p16.3.
Variant type: single nucleotide variant.
Coding change: c.1802C>T on transcript NM_000203.5 (MANE Select); coding-DNA position 1802, C replaced by T.
Protein change: p.Thr601Ile; replaces threonine 601 with isoleucine.
Molecular consequence: missense variant. On other transcripts: non-coding transcript variant (1).
Genome position (GRCh38, 1-based): chr4:1,004,086, C>T. VCF-style: chr4-1004086-C-T. GRCh37 (hg19) VCF-style: chr4-997874-C-T.
Other names: c.1406C>T, p.Thr469Ile (NM_001363576.1); c.1802C>T (NM_000203.3); short protein forms T469I, T601I.
Identifiers: ClinVar variation 841104 (VCV000841104.10), dbSNP rs200089576, ClinGen allele CA2802413.
Genomic context (GRCh38, chr4:1,004,086, plus strand): 5'-ACGAGATCCAGTTCTCTCAGGACGGTAAGGCGTACACCCCGGTCAGCAGGAAGCCATCGA[C>T]CTTCAACCTCTTTGTGTTCAGCCCAGGTGCGCCCACCACCCGCTGCCCTGGACTCGGCCA-3'
Protein context (NP_000194.2, residues 591-611): AYTPVSRKPS[Thr601Ile]FNLFVFSPDT